The following is an entry in ClinVar:

NM_144701.3(IL23R):c.358T>A (p.Ser120Thr)

Gene: IL23R (interleukin 23 receptor; plus strand). Cytogenetic location: 1p31.3.
Variant type: single nucleotide variant.
Coding change: c.358T>A on transcript NM_144701.3 (MANE Select); coding-DNA position 358, T replaced by A.
Protein change: p.Ser120Thr; replaces serine 120 with threonine.
Molecular consequence: missense variant.
Genome position (GRCh38, 1-based): chr1:67,169,629, T>A. VCF-style: chr1-67169629-T-A. GRCh37 (hg19) VCF-style: chr1-67635312-T-A.
Other names: short protein forms S120T.
Identifiers: ClinVar variation 2002966 (VCV002002966.4), dbSNP rs2525203878, ClinGen allele CA340732747.
Genomic context (GRCh38, chr1:67,169,629, plus strand): 5'-TACTGCACTGCTGAATGTCCCAAACATTTTCAAGAGACACTGATATGTGGAAAAGACATT[T>A]CTTCTGGATGTAAGTGTTGGGGCACATTTGAAATGCAAACAAAAGCTAGTTTAACAATTA-3'
Protein context (NP_653302.2, residues 110-130): QETLICGKDI[Ser120Thr]SGYPPDIPDE

ClinVar aggregate classification (germline): Uncertain significance (1 of 4 stars; one submission).

Submission:

Labcorp Genetics (formerly Invitae), Labcorp
Classification: Uncertain significance. Last evaluated: 2023-07-17. Review status: criteria provided, single submitter. Criteria: Invitae Variant Classification Sherloc (09022015). Collection method: clinical testing. Allele origin: germline.
Comment: This variant has not been reported in the literature in individuals affected with IL23R-related conditions. In summary, the available evidence is currently insufficient to determine the role of this variant in disease. Therefore, it has been classified as a Variant of Uncertain Significance. An algorithm developed to predict the effect of missense changes on protein structure and function (PolyPhen-2) suggests that this variant is likely to be tolerated. ClinVar contains an entry for this variant (Variation ID: 2002966). This variant is not present in population databases (gnomAD no frequency). This sequence change replaces serine, which is neutral and polar, with threonine, which is neutral and polar, at codon 120 of the IL23R protein (p.Ser120Thr).